The following is an entry in ClinVar:

NM_015665.6(AAAS):c.251G>A (p.Trp84Ter)

Gene: AAAS (aladin WD repeat nucleoporin; minus strand). Cytogenetic location: 12q13.13.
Variant type: single nucleotide variant.
Coding change: c.251G>A on transcript NM_015665.6 (MANE Select); coding-DNA position 251, G replaced by A.
Protein change: p.Trp84Ter; replaces tryptophan 84 with a stop codon.
Molecular consequence: nonsense.
Genome position (GRCh38, 1-based): chr12:53,320,565, C>T on the plus strand (G>A on the coding strand, the complement: AAAS is on the minus strand). VCF-style: chr12-53320565-C-T. GRCh37 (hg19) VCF-style: chr12-53714349-C-T.
Other names: 251G-A; c.251G>A, p.Trp84Ter (NM_001173466.2); short protein forms W84*.
Identifiers: ClinVar variation 5048 (VCV000005048.36), dbSNP rs754637718, ClinGen allele CA6599308.

ClinVar aggregate classification (germline): Pathogenic/Likely pathogenic. Review status: criteria provided, multiple submitters, no conflicts (2 of 4 stars). 5 submissions from 5 submitters: Pathogenic (3); Likely pathogenic (1). 1 of the submissions does not count toward it. Last evaluated 2024-02-06.

Conditions:
Achalasia-alacrima syndrome. Identifiers: MedGen CN322649, MONDO:0800195.
Glucocorticoid deficiency with achalasia (AAAS). Also called: Achalasia-addisonianism-alacrimia syndrome; ALACRIMA-ACHALASIA-ADRENAL INSUFFICIENCY NEUROLOGIC DISORDER; Achalasia-Addisonianism-Alacrima (Triple-A) Syndrome; Addisonian achalasia syndrome; Alacrima-achalasia-addisonianism; ACTH-resistant adrenal insufficiency, achalasia and alacrima. Identifiers: Orphanet 869, MedGen C0271742, MONDO:0009279, OMIM 231550.

Allele frequency attached by ClinVar (database versions not stated): gnomAD exomes 0.00002 and 0.00004; TOPMed 0.00002; gnomAD 0.00003; ExAC 0.00007.
gnomAD v4.1: 40 of 1,613,688 alleles (0.0025%); highest among the groups gnomAD compares: Non-Finnish European, 0.0034%; no homozygotes.

Submissions (5):

Labcorp Genetics (formerly Invitae), Labcorp
Classification: Pathogenic. Last evaluated: 2024-02-06. Review status: criteria provided, single submitter. Criteria: Invitae Variant Classification Sherloc (09022015). Collection method: clinical testing. Allele origin: germline.
Comment: This sequence change creates a premature translational stop signal (p.Trp84*) in the AAAS gene. It is expected to result in an absent or disrupted protein product. Loss-of-function variants in AAAS are known to be pathogenic (PMID: 11159947). This variant is present in population databases (rs754637718, gnomAD 0.009%). This premature translational stop signal has been observed in individual(s) with the triple A syndrome (PMID: 11159947, 15666842). ClinVar contains an entry for this variant (Variation ID: 5048). Algorithms developed to predict the effect of sequence changes on RNA splicing suggest that this variant may disrupt the consensus splice site. For these reasons, this variant has been classified as Pathogenic.

Fulgent Genetics
Classification: Pathogenic for Glucocorticoid deficiency with achalasia. Last evaluated: 2024-01-17. Review status: criteria provided, single submitter. Criteria: ACMG Guidelines, 2015. Collection method: clinical testing. Allele origin: germline.

CeGaT Center for Human Genetics Tuebingen
Classification: Pathogenic. Last evaluated: 2023-11-01. Review status: criteria provided, single submitter. Criteria: CeGaT Center For Human Genetics Tuebingen Variant Classification Criteria Version 2. Collection method: clinical testing. Allele origin: germline. Affected: yes. Observed: 1 variant allele.
Comment: AAAS: PVS1, PM2, PM3

MGZ Medical Genetics Center
Classification: Likely pathogenic for Glucocorticoid deficiency with achalasia. Last evaluated: 2021-09-14. Review status: criteria provided, single submitter. Criteria: ACMG Guidelines, 2015. Collection method: clinical testing. Allele origin: germline. Affected: yes. Observed: 1 variant allele.
Comment: ACMG criteria applied: PVS1, PM2_SUP

OMIM
Classification: Pathogenic for ACHALASIA-ALACRIMA SYNDROME. Last evaluated: 2008-12-01. Review status: no assertion criteria provided. Collection method: literature only. Allele origin: germline. Not counted in ClinVar's aggregate classification.

Literature cited by the submitters: PubMed 11159947 (cited by Labcorp Genetics (formerly Invitae), Labcorp); PubMed 15666842 (cited by Labcorp Genetics (formerly Invitae), Labcorp); PubMed 18628786 (cited by OMIM).